The following is an entry in ClinVar:

Conditions:
Breast-ovarian cancer, familial, susceptibility to, 1 (BROVCA1). Also called: BRCA1 Hereditary Breast and Ovarian Cancer; OVARIAN CANCER, SUSCEPTIBILITY TO. Identifiers: Orphanet 145, MedGen C2676676, MONDO:0011450, OMIM 604370. Disease mechanism: loss of function.

Submission:

Brotman Baty Institute, University of Washington
No classification provided (evidence only). Condition: Breast-ovarian cancer, familial 1. Review status: no classification provided. Collection method: in vitro. Allele origin: not applicable. Functional consequence: functionally_abnormal.
ClinVar note: "not provided" was previously submitted as the classification for the variant. However, the classification appeared to be based only on an observation of functional data so it was converted to no classification on 2025-07-30.

NM_007294.4(BRCA1):c.5054C>G (p.Thr1685Ser)

Gene: BRCA1 (BRCA1 DNA repair associated; minus strand). Cytogenetic location: 17q21.31.
Variant type: single nucleotide variant.
Coding change: c.5054C>G on transcript NM_007294.4 (MANE Select); coding-DNA position 5054, C replaced by G.
Protein change: p.Thr1685Ser; replaces threonine 1685 with serine.
Molecular consequence: missense variant. On other transcripts: non-coding transcript variant (1).
Genome position (GRCh38, 1-based): chr17:43,067,628, G>C on the plus strand (C>G on the coding strand, the complement: BRCA1 is on the minus strand). VCF-style: chr17-43067628-G-C. GRCh37 (hg19) VCF-style: chr17-41219645-G-C.
Other names: c.4841C>G, p.Thr1614Ser (NM_001407571.1, NM_001407895.1, NM_001407896.1 and 12 more transcripts); c.5120C>G, p.Thr1707Ser (NM_001407581.1, NM_001407582.1); c.5117C>G, p.Thr1706Ser (NM_001407583.1, NM_001407585.1, NM_001407587.1 and 1 more transcripts); c.5114C>G, p.Thr1705Ser (NM_001407590.1, NM_001407591.1); c.5054C>G, p.Thr1685Ser (NM_001407593.1, NM_001407594.1, NM_001407596.1 and 8 more transcripts); c.5051C>G, p.Thr1684Ser (NM_001407610.1, NM_001407611.1, NM_001407612.1 and 17 more transcripts); c.5048C>G, p.Thr1683Ser (NM_001407627.1, NM_001407628.1, NM_001407629.1 and 14 more transcripts); c.5045C>G, p.Thr1682Ser (NM_001407644.1, NM_001407645.1); and 70 more; short protein forms T1638S, T1685S, T1706S, T581S, T1516S, T1531S, T1572S, T1573S.
Identifiers: ClinVar variation 864886 (VCV000864886.3), dbSNP rs80357043, ClinGen allele CA10591410.
Genomic context (GRCh38, chr17:43,067,628, plus strand): 5'-GCAGCAGATGCAAGGTATTCTGTAAAGGTTCTTGGTATACCTGTTTTCATAACAACATGA[G>C]TAGTCTCTTCAGTAATTAGATTAGTTAAAGTGATGTGGTGTTTTCTGGCAAACTTGTACA-3'
Protein context (NP_009225.1, residues 1675-1695): TLTNLITEET[Thr1685Ser]HVVMKTDAEF